The following is an entry in ClinVar:

ClinVar aggregate classification (germline): Benign (1 of 4 stars; one submission).

Allele frequency attached by ClinVar (database versions not stated): gnomAD 0.02662 and 0.02861; TOPMed 0.03011; 1000 Genomes Project 0.03155; 1000 Genomes Project 30x 0.03451.
gnomAD v4.1: 4,038 of 152,280 alleles (2.7%); highest among the groups gnomAD compares: African/African-American, 8.8%; 170 homozygotes.

Submission:

GeneDx
Classification: Benign. Last evaluated: 2018-06-16. Review status: criteria provided, single submitter. Criteria: GeneDx Variant Classification (06012015). Collection method: clinical testing. Allele origin: germline. Affected: yes.
Comment: This variant is considered likely benign or benign based on one or more of the following criteria: it is a conservative change, it occurs at a poorly conserved position in the protein, it is predicted to be benign by multiple in silico algorithms, and/or has population frequency not consistent with disease.

NM_001136472.2(LITAF):c.377+1455A>G

Gene: LITAF (lipopolysaccharide induced TNF factor; minus strand). Cytogenetic location: 16p13.13.
Variant type: single nucleotide variant.
Coding change: c.377+1455A>G on transcript NM_001136472.2 (MANE Select); 1455 bases into the intron after coding-DNA position 377, A replaced by G.
Molecular consequence: intron variant.
Genome position (GRCh38, 1-based): chr16:11,552,078, T>C on the plus strand (A>G on the coding strand, the complement: LITAF is on the minus strand). VCF-style: chr16-11552078-T-C. GRCh37 (hg19) VCF-style: chr16-11645934-T-C.
Other names: c.378-274A>G (NM_001136473.1); c.377+1455A>G (NM_004862.4).
Identifiers: ClinVar variation 684093 (VCV000684093.1), dbSNP rs11865386, ClinGen allele CA278304065.